The following is an entry in ClinVar:

ClinVar aggregate classification (germline): Uncertain significance (1 of 4 stars; one submission).

Conditions:
Congenital myasthenic syndrome 20. Also called: Myasthenic syndrome, congenital, 20, presynaptic. Identifiers: MedGen C4310694, MONDO:0014939, OMIM 617143.
Neuronopathy, distal hereditary motor, type 7A. Also called: HARPER-YOUNG MYOPATHY; HMN VIIA; SPINAL MUSCULAR ATROPHY, DISTAL, WITH VOCAL CORD PARALYSIS; NEURONOPATHY, DISTAL HEREDITARY MOTOR, HARDING TYPE VIIA; NEUROPATHY, DISTAL HEREDITARY MOTOR, HARDING TYPE VIIA; Neuronopathy, distal hereditary motor, autosomal dominant 7. Identifiers: Orphanet 139589, MedGen C1834703, MONDO:0008024, OMIM 158580.

Allele frequency attached by ClinVar (database versions not stated): gnomAD exomes below 0.00001; ExAC 0.00001; gnomAD 0.00001.

Submission:

Labcorp Genetics (formerly Invitae), Labcorp
Classification: Uncertain significance for Neuronopathy, distal hereditary motor, type 7A; Congenital myasthenic syndrome 20. Last evaluated: 2024-08-29. Review status: criteria provided, single submitter. Criteria: Invitae Variant Classification Sherloc (09022015). Collection method: clinical testing. Allele origin: germline.
Comment: This sequence change replaces glutamic acid, which is acidic and polar, with valine, which is neutral and non-polar, at codon 576 of the SLC5A7 protein (p.Glu576Val). This variant is present in population databases (rs751087167, gnomAD 0.004%). This variant has not been reported in the literature in individuals affected with SLC5A7-related conditions. ClinVar contains an entry for this variant (Variation ID: 845541). An algorithm developed to predict the effect of missense changes on protein structure and function (PolyPhen-2) suggests that this variant is likely to be tolerated. In summary, the available evidence is currently insufficient to determine the role of this variant in disease. Therefore, it has been classified as a Variant of Uncertain Significance.

NM_021815.5(SLC5A7):c.1727A>T (p.Glu576Val)

Gene: SLC5A7 (solute carrier family 5 member 7; plus strand). Cytogenetic location: 2q12.3.
Variant type: single nucleotide variant.
Coding change: c.1727A>T on transcript NM_021815.5 (MANE Select); coding-DNA position 1727, A replaced by T.
Protein change: p.Glu576Val; replaces glutamic acid 576 with valine.
Molecular consequence: missense variant.
Genome position (GRCh38, 1-based): chr2:108,010,845, A>T. VCF-style: chr2-108010845-A-T. GRCh37 (hg19) VCF-style: chr2-108627301-A-T.
Other names: c.1727A>T, p.Glu576Val (NM_001305005.3); c.1412A>T, p.Glu471Val (NM_001305006.3); c.986A>T, p.Glu329Val (NM_001305007.3); short protein forms E329V, E471V, E576V.
Identifiers: ClinVar variation 845541 (VCV000845541.7), dbSNP rs751087167, ClinGen allele CA1819222.